The following is an entry in ClinVar:

ClinVar aggregate classification (germline): Likely benign (1 of 4 stars; one submission).

Conditions:
Complex neurodevelopmental disorder. Identifiers: Orphanet 528084, MedGen C5568766, MONDO:0100038.

Submission:

Centre for Medical Genetics,  Mumbai
Classification: Likely benign for Complex neurodevelopmental disorder. Last evaluated: 2026-04-06. Review status: criteria provided, single submitter. Criteria: ACMG Guidelines, 2015. Collection method: provider interpretation. Allele origin: germline. Inheritance: Autosomal dominant inheritance. Affected: no.
Comment: The variant satisfies PM2 criteria; Extremely low frequency in gnomAD population databases. However, the variant satisfies BS2 criteria.

Literature cited by the submitters: PMC PMC6309590.

NM_152758.6(YTHDF3):c.791C>G (p.Ala264Gly)

Gene: YTHDF3 (YTH N6-methyladenosine RNA binding protein F3; plus strand). Cytogenetic location: 8q12.3.
Variant type: single nucleotide variant.
Coding change: c.791C>G on transcript NM_152758.6 (MANE Select); coding-DNA position 791, C replaced by G.
Protein change: p.Ala264Gly; replaces alanine 264 with glycine.
Molecular consequence: missense variant.
Genome position (GRCh38, 1-based): chr8:63,186,802, C>G. VCF-style: chr8-63186802-C-G. GRCh37 (hg19) VCF-style: chr8-64099360-C-G.
Other names: c.800C>G, p.Ala267Gly (NM_001277813.2, NM_001277814.2); c.638C>G, p.Ala213Gly (NM_001277815.2, NM_001277816.2, NM_001277817.2 and 1 more transcripts); short protein forms A213G, A264G, A267G.
Identifiers: ClinVar variation 4851325 (VCV004851325.1).